The following is an entry in ClinVar:

ClinVar aggregate classification (germline): Uncertain significance (1 of 4 stars; one submission).

Conditions:
Epileptic encephalopathy. Identifiers: MedGen C0543888, HP:0200134.

Submission:

Labcorp Genetics (formerly Invitae), Labcorp
Classification: Uncertain significance for Epileptic encephalopathy. Last evaluated: 2021-03-09. Review status: criteria provided, single submitter. Criteria: Invitae Variant Classification Sherloc (09022015). Collection method: clinical testing. Allele origin: germline.
Comment: In summary, the available evidence is currently insufficient to determine the role of this variant in disease. Therefore, it has been classified as a Variant of Uncertain Significance. This variant has not been reported in the literature in individuals with GABBR2-related conditions. This variant results in a copy number gain of the genomic region encompassing the full coding sequence of the GABBR2 gene. The boundaries of this event are unknown as they extend beyond the assayed region for this gene and therefore may encompass additional genes. As the precise location of this event is unknown, it may be in tandem or it may be located elsewhere in the genome.

NC_000009.12:g.(?_97428446)_(98796511_?)dup

Genes: CORO2A (coronin 2A; minus strand), FOXE1 (forkhead box E1; plus strand), GABBR2 (gamma-aminobutyric acid type B receptor subunit 2; minus strand), HEMGN (hemogen; minus strand), NANS (N-acetylneuraminate synthase; plus strand) and 10 more. Cytogenetic location: 9q22.33.
Variant type: Duplication.
Identifiers: ClinVar variation 832760 (VCV000832760.6).